The following is an entry in ClinVar:

ClinVar aggregate classification (germline): Uncertain significance (0 of 4 stars; one submission).

Conditions:
SETD2-related disorder.

Allele frequency attached by ClinVar (database versions not stated): TOPMed below 0.00001.
gnomAD v4.1: 6 of 1,614,064 alleles (0.00037%); highest among the groups gnomAD compares: South Asian, 0.0055%; no homozygotes.

Submission:

PreventionGenetics, part of Exact Sciences
Classification: Uncertain significance for SETD2-related condition. Last evaluated: 2024-02-22. Review status: no assertion criteria provided. Collection method: clinical testing. Allele origin: germline.
Comment: The SETD2 c.2449A>G variant is predicted to result in the amino acid substitution p.Met817Val. To our knowledge, this variant has not been reported in the literature. This variant is reported in 0.0065% of alleles in individuals of South Asian descent in gnomAD. At this time, the clinical significance of this variant is uncertain due to the absence of conclusive functional and genetic evidence.

NM_014159.7(SETD2):c.2449A>G (p.Met817Val)

Gene: SETD2 (SET domain containing 2, histone lysine methyltransferase; minus strand). Cytogenetic location: 3p21.31.
Variant type: single nucleotide variant.
Coding change: c.2449A>G on transcript NM_014159.7 (MANE Select); coding-DNA position 2449, A replaced by G.
Protein change: p.Met817Val; replaces methionine 817 with valine.
Molecular consequence: missense variant. On other transcripts: non-coding transcript variant (1).
Genome position (GRCh38, 1-based): chr3:47,122,187, T>C on the plus strand (A>G on the coding strand, the complement: SETD2 is on the minus strand). VCF-style: chr3-47122187-T-C. GRCh37 (hg19) VCF-style: chr3-47163677-T-C.
Other names: c.2317A>G, p.Met773Val (NM_001349370.3); short protein forms M773V, M817V.
Identifiers: ClinVar variation 3030668 (VCV003030668.2), dbSNP rs1296217973, ClinGen allele CA352526430.
Genomic context (GRCh38, chr3:47,122,187, plus strand): 5'-CACATATAACTGGTTTTGATTCCAAATGCACATTCATAAAGCTATTTGAAGAAATCTTCA[T>C]AACTGAAGGCTCAATATTTTCAGCTTCAGAGTTACACAAAGAAGGGTTGCTATCGTTCAA-3'
Protein context (NP_054878.5, residues 807-827): SEAENIEPSV[Met817Val]KISSNSFMNV